The following is an entry in ClinVar:

ClinVar aggregate classification (germline): Uncertain significance (1 of 4 stars; one submission).

Conditions:
Pulmonary hypertension, primary, 4. Identifiers: Orphanet 422, MedGen C3809198, MONDO:0014136, OMIM 615344.

Submission:

Labcorp Genetics (formerly Invitae), Labcorp
Classification: Uncertain significance for Pulmonary hypertension, primary, 4. Last evaluated: 2022-11-12. Review status: criteria provided, single submitter. Criteria: Invitae Variant Classification Sherloc (09022015). Collection method: clinical testing. Allele origin: germline.
Comment: This variant, c.133_147dup, results in the insertion of 5 amino acid(s) of the KCNK3 protein (p.Gln45_Arg49dup), but otherwise preserves the integrity of the reading frame. This variant is not present in population databases (gnomAD no frequency). This variant has been observed in individual(s) with pulmonary hypertension (Invitae). In summary, the available evidence is currently insufficient to determine the role of this variant in disease. Therefore, it has been classified as a Variant of Uncertain Significance.

NM_002246.3(KCNK3):c.133_147dup (p.Arg49_Ala50insGlnGlnGluLeuArg)

Gene: KCNK3 (potassium two pore domain channel subfamily K member 3; plus strand). Cytogenetic location: 2p23.3.
Variant type: Duplication.
Coding change: c.133_147dup on transcript NM_002246.3 (MANE Select); coding-DNA positions 133 to 147, 15 bases duplicated (CAGCAGGAGCTGCGG).
Protein change: p.Arg49_Ala50insGlnGlnGluLeuArg.
Molecular consequence: inframe insertion.
Genome position (GRCh38, 1-based): chr2:26,693,008-26,693,022, CAGCAGGAGCTGCGG duplicated; duplicating any 15 consecutive bases within chr2:26,692,998-26,693,022 gives the same sequence; the c. name uses the placement nearest the transcript's 3' end. VCF-style (leftmost placement, unchanged base first): chr2-26692997-T-TGGAGCTGCGGCAGCA. GRCh37 (hg19) VCF-style: chr2-26915865-T-TGGAGCTGCGGCAGCA.
Identifiers: ClinVar variation 2728109 (VCV002728109.3), dbSNP rs1670188906, ClinGen allele CA1028639775.